The following is an entry in ClinVar:

NM_000550.3(TYRP1):c.48G>T (p.Leu16Phe)

Gene: TYRP1 (tyrosinase related protein 1; plus strand). Cytogenetic location: 9p23.
Variant type: single nucleotide variant.
Coding change: c.48G>T on transcript NM_000550.3 (MANE Select); coding-DNA position 48, G replaced by T.
Protein change: p.Leu16Phe; replaces leucine 16 with phenylalanine.
Molecular consequence: missense variant.
Genome position (GRCh38, 1-based): chr9:12,694,044, G>T. VCF-style: chr9-12694044-G-T. GRCh37 (hg19) VCF-style: chr9-12694044-G-T.
Other names: short protein forms L16F.
Identifiers: ClinVar variation 1517924 (VCV001517924.8), dbSNP rs769969343, ClinGen allele CA372936007.

ClinVar aggregate classification (germline): Uncertain significance (1 of 4 stars; one submission).

Allele frequency attached by ClinVar (database versions not stated): TOPMed below 0.00001; gnomAD 0.00001.

Submission:

Labcorp Genetics (formerly Invitae), Labcorp
Classification: Uncertain significance. Last evaluated: 2024-11-05. Review status: criteria provided, single submitter. Criteria: Invitae Variant Classification Sherloc (09022015). Collection method: clinical testing. Allele origin: germline.
Comment: This sequence change replaces leucine, which is neutral and non-polar, with phenylalanine, which is neutral and non-polar, at codon 16 of the TYRP1 protein (p.Leu16Phe). This variant is present in population databases (no rsID available, gnomAD 0.007%). This variant has not been reported in the literature in individuals affected with TYRP1-related conditions. ClinVar contains an entry for this variant (Variation ID: 1517924). Invitae Evidence Modeling of protein sequence and biophysical properties (such as structural, functional, and spatial information, amino acid conservation, physicochemical variation, residue mobility, and thermodynamic stability) indicates that this missense variant is not expected to disrupt TYRP1 protein function with a negative predictive value of 80%. In summary, the available evidence is currently insufficient to determine the role of this variant in disease. Therefore, it has been classified as a Variant of Uncertain Significance.